The following is an entry in ClinVar:

NM_058216.3(RAD51C):c.680C>T (p.Pro227Leu)

Genes: RAD51C (RAD51 paralog C; plus strand), LOC129390903 (MPRA-validated peak2919 silencer; plus strand). Cytogenetic location: 17q22.
Variant type: single nucleotide variant.
Coding change: c.680C>T on transcript NM_058216.3 (MANE Select); coding-DNA position 680, C replaced by T.
Protein change: p.Pro227Leu; replaces proline 227 with leucine.
Molecular consequence: missense variant. On other transcripts: non-coding transcript variant (1).
Genome position (GRCh38, 1-based): chr17:58,703,304, C>T. VCF-style: chr17-58703304-C-T. GRCh37 (hg19) VCF-style: chr17-56780665-C-T.
Other names: short protein forms P227L.
Identifiers: ClinVar variation 492379 (VCV000492379.21), dbSNP rs1374461662, ClinGen allele CA400349989.

ClinVar aggregate classification (germline): Conflicting classifications of pathogenicity. Review status: criteria provided, conflicting classifications (1 of 4 stars). 4 submissions from 4 submitters: Uncertain significance (3); Benign (1). Last evaluated 2025-09-25.

Conditions:
Hereditary cancer-predisposing syndrome. Also called: Tumor predisposition; Neoplastic Syndromes, Hereditary; Hereditary Cancer Syndrome; Hereditary neoplastic syndrome. Identifiers: Orphanet 140162, MedGen C0027672, MeSH D009386, MONDO:0015356.
Fanconi anemia complementation group O. Also called: RAD51C-Related Fanconi Anemia. Identifiers: Orphanet 84, MedGen C3150653, MONDO:0013248, OMIM 613390.

Allele frequency attached by ClinVar (database versions not stated): gnomAD exomes below 0.00001; TOPMed below 0.00001; gnomAD 0.00001.
gnomAD v4.1: 5 of 1,611,846 alleles (0.00031%); highest among the groups gnomAD compares: African/African-American, 0.0013%; no homozygotes.

Submissions (4):

Ambry Genetics
Classification: Benign for Hereditary cancer-predisposing syndrome. Last evaluated: 2025-09-25. Review status: criteria provided, single submitter. Criteria: Ambry Variant Classification Scheme 2023. Collection method: clinical testing. Allele origin: germline.

Labcorp Genetics (formerly Invitae), Labcorp
Classification: Uncertain significance for Fanconi anemia complementation group O. Last evaluated: 2025-09-09. Review status: criteria provided, single submitter. Criteria: Invitae Variant Classification Sherloc (09022015). Collection method: clinical testing. Allele origin: germline.
Comment: This sequence change replaces proline, which is neutral and non-polar, with leucine, which is neutral and non-polar, at codon 227 of the RAD51C protein (p.Pro227Leu). This variant is not present in population databases (gnomAD no frequency). This variant has not been reported in the literature in individuals affected with RAD51C-related conditions. ClinVar contains an entry for this variant (Variation ID: 492379). Invitae Evidence Modeling of protein sequence and biophysical properties (such as structural, functional, and spatial information, amino acid conservation, physicochemical variation, residue mobility, and thermodynamic stability) indicates that this missense variant is not expected to disrupt RAD51C protein function with a negative predictive value of 80%. In summary, the available evidence is currently insufficient to determine the role of this variant in disease. Therefore, it has been classified as a Variant of Uncertain Significance.

Color Diagnostics, LLC DBA Color Health
Classification: Uncertain significance for Hereditary cancer-predisposing syndrome. Last evaluated: 2022-06-24. Review status: criteria provided, single submitter. Criteria: ACMG Guidelines, 2015. Collection method: clinical testing. Allele origin: germline.
Comment: This missense variant replaces proline with leucine at codon 227 of the RAD51C protein. Computational prediction suggests that this variant may not impact protein structure and function (internally defined REVEL score threshold <= 0.5, PMID: 27666373). To our knowledge, functional studies have not been reported for this variant. This variant has not been reported in individuals affected with hereditary cancer in the literature. This variant has not been identified in the general population by the Genome Aggregation Database (gnomAD). The available evidence is insufficient to determine the role of this variant in disease conclusively. Therefore, this variant is classified as a Variant of Uncertain Significance.

Quest Diagnostics Nichols Institute San Juan Capistrano
Classification: Uncertain significance. Last evaluated: 2021-07-02. Review status: criteria provided, single submitter. Criteria: Quest Diagnostics criteria. Collection method: clinical testing. Allele origin: unknown.